The following is an entry in ClinVar:

ClinVar aggregate classification (germline): Uncertain significance. Review status: criteria provided, multiple submitters, no conflicts (2 of 4 stars). 2 submissions from 2 submitters: Uncertain significance (2). Last evaluated 2025-05-18.

Allele frequency attached by ClinVar (database versions not stated): gnomAD 0.00006; gnomAD exomes 0.00006; TOPMed 0.00006; ExAC 0.00007; ESP Exome Variant Server 0.00008.
gnomAD v4.1: 100 of 1,612,590 alleles (0.0062%); highest among the groups gnomAD compares: Non-Finnish European, 0.0082%; no homozygotes.

Submissions (2):

Ambry Genetics
Classification: Uncertain significance. Last evaluated: 2025-05-18. Review status: criteria provided, single submitter. Criteria: Ambry Variant Classification Scheme 2023. Collection method: clinical testing. Allele origin: germline.

Labcorp Genetics (formerly Invitae), Labcorp
Classification: Uncertain significance. Last evaluated: 2024-02-16. Review status: criteria provided, single submitter. Criteria: Invitae Variant Classification Sherloc (09022015). Collection method: clinical testing. Allele origin: germline.
Comment: This sequence change replaces valine, which is neutral and non-polar, with isoleucine, which is neutral and non-polar, at codon 601 of the GCKR protein (p.Val601Ile). The frequency data for this variant in the population databases is considered unreliable, as metrics indicate poor data quality at this position in the gnomAD database. This variant has not been reported in the literature in individuals affected with GCKR-related conditions. Algorithms developed to predict the effect of missense changes on protein structure and function output the following: SIFT: "Not Available"; PolyPhen-2: "Benign"; Align-GVGD: "Not Available". The isoleucine amino acid residue is found in multiple mammalian species, which suggests that this missense change does not adversely affect protein function. In summary, the available evidence is currently insufficient to determine the role of this variant in disease. Therefore, it has been classified as a Variant of Uncertain Significance.

NM_001486.4(GCKR):c.1801G>A (p.Val601Ile)

Gene: GCKR (glucokinase regulator; plus strand). Cytogenetic location: 2p23.3.
Variant type: single nucleotide variant.
Coding change: c.1801G>A on transcript NM_001486.4 (MANE Select); coding-DNA position 1801, G replaced by A.
Protein change: p.Val601Ile; replaces valine 601 with isoleucine.
Molecular consequence: missense variant.
Genome position (GRCh38, 1-based): chr2:27,523,362, G>A. VCF-style: chr2-27523362-G-A. GRCh37 (hg19) VCF-style: chr2-27746229-G-A.
Other names: short protein forms V601I.
Identifiers: ClinVar variation 3099034 (VCV003099034.4), dbSNP rs370445252, ClinGen allele CA1582127.